The following is an entry in ClinVar:

ClinVar aggregate classification (germline): Uncertain significance (1 of 4 stars; one submission).

Allele frequency attached by ClinVar (database versions not stated): gnomAD exomes 0.00001; TOPMed 0.00001; ExAC 0.00003.
gnomAD v4.1: 10 of 1,611,806 alleles (0.00062%); highest among the groups gnomAD compares: Non-Finnish European, 0.00076%; no homozygotes.

Submission:

CeGaT Center for Human Genetics Tuebingen
Classification: Uncertain significance. Last evaluated: 2024-03-01. Review status: criteria provided, single submitter. Criteria: CeGaT Center For Human Genetics Tuebingen Variant Classification Criteria Version 2. Collection method: clinical testing. Allele origin: germline. Affected: yes. Observed: 1 variant allele.
Comment: TEX15: PM2, BP4

NM_001350162.2(TEX15):c.7303A>G (p.Ile2435Val)

Gene: TEX15 (testis expressed 15, meiosis and synapsis associated; minus strand). Cytogenetic location: 8p12.
Variant type: single nucleotide variant.
Coding change: c.7303A>G on transcript NM_001350162.2 (MANE Select); coding-DNA position 7303, A replaced by G.
Protein change: p.Ile2435Val; replaces isoleucine 2435 with valine.
Molecular consequence: missense variant.
Genome position (GRCh38, 1-based): chr8:30,842,864, T>C on the plus strand (A>G on the coding strand, the complement: TEX15 is on the minus strand). VCF-style: chr8-30842864-T-C. GRCh37 (hg19) VCF-style: chr8-30700380-T-C.
Other names: c.6154A>G, p.Ile2052Val (NM_031271.3); short protein forms I2052V, I2435V.
Identifiers: ClinVar variation 3067360 (VCV003067360.21), dbSNP rs771014657, ClinGen allele CA4702531.